The following is an entry in ClinVar:

NM_024426.6(WT1):c.1048A>G (p.Thr350Ala)

Gene: WT1 (WT1 transcription factor; minus strand). Cytogenetic location: 11p13.
Variant type: single nucleotide variant.
Coding change: c.1048A>G on transcript NM_024426.6 (MANE Select); coding-DNA position 1048, A replaced by G.
Protein change: p.Thr350Ala; replaces threonine 350 with alanine.
Molecular consequence: missense variant. On other transcripts: non-coding transcript variant (2), 5 prime UTR variant (1).
Genome position (GRCh38, 1-based): chr11:32,400,013, T>C on the plus strand (A>G on the coding strand, the complement: WT1 is on the minus strand). VCF-style: chr11-32400013-T-C. GRCh37 (hg19) VCF-style: chr11-32421559-T-C.
Other names: c.874A>G, p.Thr292Ala (NM_001407050.1); c.286A>G, p.Thr96Ala (NM_001407051.1); c.829A>G, p.Thr277Ala (NM_001429031.1, NM_001429032.1); c.778A>G, p.Thr260Ala (NM_001429033.1, NM_001429034.1); c.1048A>G, p.Thr350Ala (NM_024424.5, NM_001407046.1); c.997A>G, p.Thr333Ala (NM_000378.6, NM_001407045.1, NM_001407048.1 and 1 more transcripts); c.397A>G, p.Thr133Ala (NM_001198551.2); c.346A>G, p.Thr116Ala (NM_001198552.2); and 3 more; short protein forms T116A, T133A, T260A, T277A, T292A, T309A, T333A, T345A.
Identifiers: ClinVar variation 4866781 (VCV004866781.1).

ClinVar aggregate classification (germline): Uncertain significance (1 of 4 stars; one submission).

Conditions:
Inborn genetic diseases. Identifiers: MedGen C0950123, MeSH D030342.

Submission:

Ambry Genetics
Classification: Uncertain significance for Inborn genetic diseases. Last evaluated: 2026-03-16. Review status: criteria provided, single submitter. Criteria: Ambry Variant Classification Scheme 2023. Collection method: clinical testing. Allele origin: germline.
Comment: The p.T345A variant (also known as c.1033A>G), located in coding exon 6 of the WT1 gene, results from an A to G substitution at nucleotide position 1033. The threonine at codon 345 is replaced by alanine, an amino acid with similar properties. This amino acid position is conserved. In addition, this alteration is predicted to be tolerated by in silico analysis. Based on the available evidence, the clinical significance of this variant remains unclear.